The following is an entry in ClinVar:

ClinVar aggregate classification (germline): Pathogenic/Likely pathogenic. Review status: criteria provided, multiple submitters, no conflicts (2 of 4 stars). 4 submissions from 4 submitters: Pathogenic (3); Likely pathogenic (1). Last evaluated 2024-11-12.

Conditions:
PTPN11-related disorder. Also called: PTPN11-Related Disorders.
RASopathy. Also called: Noonan spectrum disorder; rasopathies. Identifiers: Orphanet 536391, MedGen C5555857, MONDO:0021060.

Submissions (4):

PreventionGenetics, part of Exact Sciences
Classification: Pathogenic for PTPN11-related condition. Last evaluated: 2024-11-12. Review status: criteria provided, single submitter. Criteria: ACMG Guidelines, 2015. Collection method: clinical testing. Allele origin: germline.
Comment: The PTPN11 c.172A>T variant is predicted to result in the amino acid substitution p.Asn58Tyr. This variant has been reported in an individual with Noonan syndrome (Table S1, Mohan et al. 2022. PubMed ID: 34358384). This variant has also been reported in individuals with childhood cancers including acute lymphoblastic leukemia (ALL, Yamamoto et al. 2006. PubMed ID: 16533526) and juvenile myelomonocytic leukemia (JMML, Table S3, Mulero-Navarro et al. 2015. PubMed ID: 26456833). This variant has not been reported in a large population database (gnomAD), indicating this variant is rare and in ClinVar this variant is interpreted as pathogenic/likely pathogenic. Several missense variants impacting the same amino acid (p.Asn58His, p.Asn58Asp, p.Asn58Ser, p.Asn58Lys) have been reported in individuals with Noonan syndrome, suggesting the p.Asn58 residue is important for PTPN11 function (Limal et al. 2006. PubMed ID: 16263833; Leach et al. 2019. PubMed ID: 29907801). Taken together, the c.172A>T (p.Asn58Tyr) variant is interpreted as pathogenic.

Blueprint Genetics
Classification: Pathogenic for PTPN11-related disorders. Last evaluated: 2023-06-29. Review status: criteria provided, single submitter. Criteria: ACMG Guidelines, 2015. Collection method: clinical testing. Allele origin: de novo. Affected: yes. Observed: 1 variant allele.

Women's Health and Genetics/Laboratory Corporation of America, LabCorp
Classification: Likely pathogenic for Rasopathy. Last evaluated: 2020-02-24. Review status: criteria provided, single submitter. Criteria: LabCorp Variant Classification Summary - May 2015. Collection method: clinical testing. Allele origin: germline.
Comment: Variant summary: PTPN11 c.172A>T (p.Asn58Tyr) results in a non-conservative amino acid change located in the SH2 domain of the encoded protein sequence. Five of five in-silico tools predict a damaging effect of the variant on protein function. The variant was absent in 251000 control chromosomes (gnomAD). The available data on variant occurrences in the general population are insufficient to allow any conclusion about variant significance. c.172A>T has been reported in the literature in one individual affected with Noonan Syndrome and juvenile myelomonocytic leukemia (Mulero-Navarro_2015) as well as individuals affected with ALL or MDS/AML (Yamamoto_2006, Niimi_2006). To our knowledge, no experimental evidence demonstrating an impact on protein function has been reported. One ClinVar submitter (evaluation after 2014) cites the variant as pathogenic. Additionally, other missense variants at the same residue or nearby residues were classified as pathogenic in ClinVar and reported in HGMD. Based on the evidence outlined above, the variant was classified as likely pathogenic.

GeneDx
Classification: Pathogenic. Last evaluated: 2017-07-10. Review status: criteria provided, single submitter. Criteria: GeneDx Variant Classification (06012015). Collection method: clinical testing. Allele origin: germline. Affected: yes.
Comment: The N58Y variant in the PTPN11 gene has been reported previously in an individual with a diagnosis of Noonan syndrome and juvenile myelomonocytic leukemia (Mulero-Navarro et al., 2015). This variant is not observed in large population cohorts (Lek et al., 2016; 1000 Genomes Consortium et al., 2015; Exome Variant Server). The N58Y variant is a semi-conservative amino acid substitution, which may impact secondary protein structure as these residues differ in some properties. This substitution occurs at a position that is conserved across species, and in silico analysis predicts the N58Y variant is probably damaging to the protein structure/function. Additionally, multiple other missense variants at the same residue and in nearby residues have been reported in the Human Gene Mutation Database in association with PTPN11-related disorders (Stenson et al., 2014), supporting the functional importance of this region of the protein. We interpret N58Y as a pathogenic variant.

Literature cited by the submitters: PubMed 15385933 (cited by Women's Health and Genetics/Laboratory Corporation of America, LabCorp); PubMed 14644997 (cited by Women's Health and Genetics/Laboratory Corporation of America, LabCorp); PubMed 16358218 (cited by Women's Health and Genetics/Laboratory Corporation of America, LabCorp); PubMed 16467864 (cited by Women's Health and Genetics/Laboratory Corporation of America, LabCorp); PubMed 16533526 (cited by Women's Health and Genetics/Laboratory Corporation of America, LabCorp); PubMed 25097206 (cited by Women's Health and Genetics/Laboratory Corporation of America, LabCorp); PubMed 19047918 (cited by Women's Health and Genetics/Laboratory Corporation of America, LabCorp); PubMed 19179468 (cited by Women's Health and Genetics/Laboratory Corporation of America, LabCorp); PubMed 17972951 (cited by Women's Health and Genetics/Laboratory Corporation of America, LabCorp); PubMed 15710330 (cited by Women's Health and Genetics/Laboratory Corporation of America, LabCorp); PubMed 25395418 (cited by Women's Health and Genetics/Laboratory Corporation of America, LabCorp); PubMed 27276561 (cited by Women's Health and Genetics/Laboratory Corporation of America, LabCorp); PubMed 27069254 (cited by Women's Health and Genetics/Laboratory Corporation of America, LabCorp); PubMed 26456833 (cited by Women's Health and Genetics/Laboratory Corporation of America, LabCorp).

NM_002834.5(PTPN11):c.172A>T (p.Asn58Tyr)

Gene: PTPN11 (protein tyrosine phosphatase non-receptor type 11; plus strand). Cytogenetic location: 12q24.13.
Variant type: single nucleotide variant.
Coding change: c.172A>T on transcript NM_002834.5 (MANE Select); coding-DNA position 172, A replaced by T.
Protein change: p.Asn58Tyr; replaces asparagine 58 with tyrosine.
Molecular consequence: missense variant.
Genome position (GRCh38, 1-based): chr12:112,450,352, A>T. VCF-style: chr12-112450352-A-T. GRCh37 (hg19) VCF-style: chr12-112888156-A-T.
Other names: p.N58Y:AAC>TAC; c.172A>T, p.Asn58Tyr (NM_001330437.2, NM_080601.3); c.169A>T, p.Asn57Tyr (NM_001374625.1); short protein forms N58Y, N57Y.
Identifiers: ClinVar variation 181494 (VCV000181494.5), dbSNP rs397507505, ClinGen allele CA297070.
Genomic context (GRCh38, chr12:112,450,352, plus strand): 5'-CCTCCCTTTCCAATGGACTATTTTAGAAGAAATGGAGCTGTCACCCACATCAAGATTCAG[A>T]ACACTGGTGATTACTATGACCTGTATGGAGGGGAGAAATTTGCCACTTTGGCTGAGTTGG-3'
Protein context (NP_002825.3, residues 48-68): NGAVTHIKIQ[Asn58Tyr]TGDYYDLYGG